The following is an entry in ClinVar:

NM_015192.4(PLCB1):c.919G>A (p.Val307Ile)

Gene: PLCB1 (phospholipase C beta 1; plus strand). Cytogenetic location: 20p12.3.
Variant type: single nucleotide variant.
Coding change: c.919G>A on transcript NM_015192.4 (MANE Select); coding-DNA position 919, G replaced by A.
Protein change: p.Val307Ile; replaces valine 307 with isoleucine.
Molecular consequence: missense variant.
Genome position (GRCh38, 1-based): chr20:8,684,988, G>A. VCF-style: chr20-8684988-G-A. GRCh37 (hg19) VCF-style: chr20-8665635-G-A.
Other names: c.919G>A (NM_015192.2); c.919G>A, p.Val307Ile (NM_182734.3); short protein forms V307I.
Identifiers: ClinVar variation 478625 (VCV000478625.13), dbSNP rs373633394, ClinGen allele CA9759853.

ClinVar aggregate classification (germline): Uncertain significance. Review status: criteria provided, multiple submitters, no conflicts (2 of 4 stars). 3 submissions from 3 submitters: Uncertain significance (3). Last evaluated 2024-12-23.

Conditions:
Inborn genetic diseases. Identifiers: MedGen C0950123, MeSH D030342.
Developmental and epileptic encephalopathy, 12 (DEE12). Identifiers: MedGen C3150988, MONDO:0013389, OMIM 613722.

Allele frequency attached by ClinVar (database versions not stated): gnomAD exomes 0.00002 and 0.00001; gnomAD 0.00004 and 0.00002; TOPMed 0.00007; ESP Exome Variant Server 0.00008; ExAC 0.00001.
gnomAD v4.1: 19 of 1,613,524 alleles (0.0012%); highest among the groups gnomAD compares: Admixed American, 0.0033%; no homozygotes.

Submissions (3):

GeneDx
Classification: Uncertain significance. Last evaluated: 2024-12-23. Review status: criteria provided, single submitter. Criteria: GeneDx Variant Classification Process June 2021. Collection method: clinical testing. Allele origin: germline.
Comment: Not observed at significant frequency in large population cohorts (gnomAD); In silico analysis indicates that this missense variant does not alter protein structure/function; Has not been previously published as pathogenic or benign to our knowledge

Labcorp Genetics (formerly Invitae), Labcorp
Classification: Uncertain significance for Developmental and epileptic encephalopathy, 12. Last evaluated: 2024-10-15. Review status: criteria provided, single submitter. Criteria: Invitae Variant Classification Sherloc (09022015). Collection method: clinical testing. Allele origin: germline.
Comment: This sequence change replaces valine, which is neutral and non-polar, with isoleucine, which is neutral and non-polar, at codon 307 of the PLCB1 protein (p.Val307Ile). This variant is present in population databases (rs373633394, gnomAD 0.005%). This variant has not been reported in the literature in individuals affected with PLCB1-related conditions. ClinVar contains an entry for this variant (Variation ID: 478625). Invitae Evidence Modeling of protein sequence and biophysical properties (such as structural, functional, and spatial information, amino acid conservation, physicochemical variation, residue mobility, and thermodynamic stability) indicates that this missense variant is not expected to disrupt PLCB1 protein function with a negative predictive value of 80%. In summary, the available evidence is currently insufficient to determine the role of this variant in disease. Therefore, it has been classified as a Variant of Uncertain Significance.

Ambry Genetics
Classification: Uncertain significance for Inborn genetic diseases. Last evaluated: 2023-04-25. Review status: criteria provided, single submitter. Criteria: Ambry Variant Classification Scheme 2023. Collection method: clinical testing. Allele origin: germline.